The following is an entry in ClinVar:

NM_002474.3(MYH11):c.4685A>G (p.Lys1562Arg)

Genes: MYH11 (myosin heavy chain 11; minus strand), NDE1 (nudE neurodevelopment protein 1; plus strand). Cytogenetic location: 16p13.11.
Variant type: single nucleotide variant.
Coding change: c.4685A>G on transcript NM_002474.3 (MANE Select); coding-DNA position 4685, A replaced by G.
Protein change: p.Lys1562Arg; replaces lysine 1562 with arginine.
Molecular consequence: missense variant. On other transcripts: intron variant (2).
Genome position (GRCh38, 1-based): chr16:15,720,945, T>C on the plus strand (A>G on the coding strand, the complement: MYH11 is on the minus strand). VCF-style: chr16-15720945-T-C. GRCh37 (hg19) VCF-style: chr16-15814802-T-C.
Other names: c.4706A>G, p.Lys1569Arg (NM_001040113.2, NM_001040114.2); c.4685A>G, p.Lys1562Arg (NM_022844.3); c.948-3246T>C (NM_001143979.2, NM_017668.3); short protein forms K1562R, K1569R.
Identifiers: ClinVar variation 923345 (VCV000923345.11), dbSNP rs1019265305, ClinGen allele CA278601753.

ClinVar aggregate classification (germline): Uncertain significance. Review status: criteria provided, multiple submitters, no conflicts (2 of 4 stars). 4 submissions from 4 submitters: Uncertain significance (4). Last evaluated 2025-06-01.

Conditions:
Familial thoracic aortic aneurysm and aortic dissection (TAAD). Also called: Thoracic aortic aneurysms and dissections. Identifiers: Orphanet 91387, MedGen C4707243, MONDO:0019625.
Aortic aneurysm, familial thoracic 4 (AAT4). Also called: AORTIC ANEURYSM/AORTIC DISSECTION AND PATENT DUCTUS ARTERIOSUS. Identifiers: MedGen C1851504, MONDO:0007568, OMIM 132900.

Allele frequency attached by ClinVar (database versions not stated): gnomAD exomes below 0.00001; gnomAD 0.00001; TOPMed 0.00003.
gnomAD v4.1: 6 of 1,613,942 alleles (0.00037%); highest among the groups gnomAD compares: African/African-American, 0.004%; no homozygotes.

Submissions (4):

Ambry Genetics
Classification: Uncertain significance for Familial thoracic aortic aneurysm and aortic dissection. Last evaluated: 2025-06-01. Review status: criteria provided, single submitter. Criteria: Ambry Variant Classification Scheme 2023. Collection method: clinical testing. Allele origin: germline.
Comment: The p.K1562R variant (also known as c.4685A>G), located in coding exon 32 of the MYH11 gene, results from an A to G substitution at nucleotide position 4685. The lysine at codon 1562 is replaced by arginine, an amino acid with highly similar properties. This amino acid position is conserved. In addition, the in silico prediction for this alteration is inconclusive. Since supporting evidence is limited at this time, the clinical significance of this alteration remains unclear.

All of Us Research Program, National Institutes of Health
Classification: Uncertain significance for Familial thoracic aortic aneurysm and aortic dissection. Last evaluated: 2024-06-11. Review status: criteria provided, single submitter. Criteria: ACMG Guidelines, 2015. Collection method: clinical testing. Allele origin: germline. Inheritance: Autosomal dominant inheritance. Observed: 1 variant allele, 1 heterozygote.
Comment: This missense variant replaces lysine with arginine at codon 1569 of the MYH11 protein. Computational prediction is inconclusive regarding the impact of this variant on protein structure and function (internally defined REVEL score threshold 0.5 < inconclusive < 0.7, PMID: 27666373). To our knowledge, functional studies have not been reported for this variant. This variant has not been reported in individuals affected with cardiovascular disorders in the literature. This variant has not been identified in the general population by the Genome Aggregation Database (gnomAD). The available evidence is insufficient to determine the role of this variant in disease conclusively. Therefore, this variant is classified as a Variant of Uncertain Significance.

This study involves interpretation of variants in research participants for the purpose of population health screening. Participant phenotype was not available at the time of variant classification. Additional details can be found in publication PMID: 35346344, PMCID: PMC8962531

Color Diagnostics, LLC DBA Color Health
Classification: Uncertain significance for Familial thoracic aortic aneurysm and aortic dissection. Last evaluated: 2024-03-06. Review status: criteria provided, single submitter. Criteria: ACMG Guidelines, 2015. Collection method: clinical testing. Allele origin: germline.
Comment: This missense variant replaces lysine with arginine at codon 1569 of the MYH11 protein. Computational prediction is inconclusive regarding the impact of this variant on protein structure and function (internally defined REVEL score threshold 0.5 < inconclusive < 0.7, PMID: 27666373). To our knowledge, functional studies have not been reported for this variant. This variant has not been reported in individuals affected with MYH11-related disorders in the literature. This variant has not been identified in the general population by the Genome Aggregation Database (gnomAD). The available evidence is insufficient to determine the role of this variant in disease conclusively. Therefore, this variant is classified as a Variant of Uncertain Significance.

Labcorp Genetics (formerly Invitae), Labcorp
Classification: Uncertain significance for Aortic aneurysm, familial thoracic 4. Last evaluated: 2024-01-29. Review status: criteria provided, single submitter. Criteria: Invitae Variant Classification Sherloc (09022015). Collection method: clinical testing. Allele origin: germline.
Comment: This sequence change replaces lysine, which is basic and polar, with arginine, which is basic and polar, at codon 1569 of the MYH11 protein (p.Lys1569Arg). This variant is not present in population databases (gnomAD no frequency). This variant has not been reported in the literature in individuals affected with MYH11-related conditions. ClinVar contains an entry for this variant (Variation ID: 923345). Advanced modeling of protein sequence and biophysical properties (such as structural, functional, and spatial information, amino acid conservation, physicochemical variation, residue mobility, and thermodynamic stability) performed at Invitae indicates that this missense variant is not expected to disrupt MYH11 protein function with a negative predictive value of 95%. In summary, the available evidence is currently insufficient to determine the role of this variant in disease. Therefore, it has been classified as a Variant of Uncertain Significance.